The following is an entry in ClinVar:

ClinVar aggregate classification (germline): Uncertain significance. Review status: criteria provided, multiple submitters, no conflicts (2 of 4 stars). 2 submissions from 2 submitters: Uncertain significance (2). Last evaluated 2026-08-02.

Conditions:
Colorectal cancer, susceptibility to, 1. Also called: COLORECTAL ADENOMA AND CANCER, SUSCEPTIBILITY TO; COLORECTAL CANCER, SUSCEPTIBILITY TO, ON CHROMOSOME 9. Identifiers: MedGen C1837315, MONDO:0012132, OMIM 608812.

Submissions (2):

Ambry Genetics
Classification: Uncertain significance. Last evaluated: 2026-08-02. Review status: criteria provided, single submitter. Criteria: Ambry Variant Classification Scheme 2023. Collection method: clinical testing. Allele origin: germline.
Comment: The p.A77V variant (also known as c.230C>T), located in coding exon 1 of the GALNT12 gene, results from a C to T substitution at nucleotide position 230. The alanine at codon 77 is replaced by valine, an amino acid with similar properties. This amino acid position is conserved. In addition, this alteration is predicted to be tolerated by in silico analysis. Based on the available evidence, the clinical significance of this variant remains unclear.

Baylor Genetics
Classification: Uncertain significance for Colorectal cancer, susceptibility to, 1. Last evaluated: 2024-03-14. Review status: criteria provided, single submitter. Criteria: ACMG Guidelines, 2015. Collection method: clinical testing. Allele origin: unknown.

NM_024642.5(GALNT12):c.230C>T (p.Ala77Val)

Gene: GALNT12 (polypeptide N-acetylgalactosaminyltransferase 12; plus strand). Cytogenetic location: 9q22.33.
Variant type: single nucleotide variant.
Coding change: c.230C>T on transcript NM_024642.5 (MANE Select); coding-DNA position 230, C replaced by T.
Protein change: p.Ala77Val; replaces alanine 77 with valine.
Molecular consequence: missense variant.
Genome position (GRCh38, 1-based): chr9:98,807,928, C>T. VCF-style: chr9-98807928-C-T. GRCh37 (hg19) VCF-style: chr9-101570210-C-T.
Other names: c.230C>T (NM_024642.4); short protein forms A77V.
Identifiers: ClinVar variation 3241664 (VCV003241664.2), dbSNP rs2490455813.